The following is an entry in ClinVar:

NM_130384.3(ATRIP):c.1911G>A (p.Met637Ile)

Genes: ATRIP (ATR interacting protein; plus strand), ATRIP-TREX1 (ATRIP-TREX1 readthrough; plus strand). Cytogenetic location: 3p21.31.
Variant type: single nucleotide variant.
Coding change: c.1911G>A on transcript NM_130384.3 (MANE Select); coding-DNA position 1911, G replaced by A.
Protein change: p.Met637Ile; replaces methionine 637 with isoleucine.
Molecular consequence: missense variant. On other transcripts: non-coding transcript variant (1).
Genome position (GRCh38, 1-based): chr3:48,464,069, G>A. VCF-style: chr3-48464069-G-A. GRCh37 (hg19) VCF-style: chr3-48505468-G-A.
Other names: c.1530G>A, p.Met510Ile (NM_001271022.2); c.1632G>A, p.Met544Ile (NM_001271023.2); c.1911G>A, p.Met637Ile (NM_032166.4); short protein forms M544I, M637I, M510I.
Identifiers: ClinVar variation 4182077 (VCV004182077.1).

ClinVar aggregate classification (germline): Uncertain significance (1 of 4 stars; one submission).

gnomAD v4.1: 1 of 1,613,788 alleles (0.000062%); no homozygotes.

Submission:

Ambry Genetics
Classification: Uncertain significance. Last evaluated: 2025-07-12. Review status: criteria provided, single submitter. Criteria: Ambry Variant Classification Scheme 2023. Collection method: clinical testing. Allele origin: germline.
Comment: The p.M637I variant (also known as c.1911G>A), located in coding exon 10 of the ATRIP gene, results from a G to A substitution at nucleotide position 1911. The methionine at codon 637 is replaced by isoleucine, an amino acid with highly similar properties. This amino acid position is conserved. In addition, this alteration is predicted to be tolerated by in silico analysis. Based on the available evidence, the clinical significance of this variant remains unclear.